The following is an entry in ClinVar:

ClinVar aggregate classification (germline): Uncertain significance (1 of 4 stars; one submission).

Conditions:
Autosomal recessive congenital ichthyosis 9 (ARCI9). Identifiers: Orphanet 79394, MedGen C3554349, MONDO:0014010, OMIM 615023.

Allele frequency attached by ClinVar (database versions not stated): gnomAD exomes below 0.00001.
gnomAD v4.1: 2 of 1,373,266 alleles (0.00015%); highest among the groups gnomAD compares: Non-Finnish European, 0.0002%; no homozygotes.

Submission:

Molecular Genetics, Royal Melbourne Hospital
Classification: Uncertain significance for Autosomal recessive congenital ichthyosis 9. Last evaluated: 2022-10-06. Review status: criteria provided, single submitter. Criteria: ACMG Guidelines, 2015. Collection method: clinical testing. Allele origin: germline.
Comment: This sequence change in CERS3 is an intronic variant located in intron 12. This variant is absent from the population database gnomAD v2.1 and v3.1. To our knowledge, this variant has not been reported in the literature. The results from multiple in silico splicing predictors (SpliceAI, MaxEntScan, NNSplice) are conflicting for an impact splicing. Based on the classification scheme RMH Modified ACMG Guidelines v1.5.1, this variant is classified as a VARIANT OF UNCERTAIN SIGNIFICANCE. Following criteria are met: PM2_Supporting.

NM_001378789.1(CERS3):c.1000-85C>A

Genes: CERS3 (ceramide synthase 3; minus strand), CERS3-AS1 (CERS3 antisense RNA 1; plus strand). Cytogenetic location: 15q26.3.
Variant type: single nucleotide variant.
Coding change: c.1000-85C>A on transcript NM_001378789.1 (MANE Select); 85 bases into the intron before coding-DNA position 1000, C replaced by A.
Molecular consequence: intron variant.
Genome position (GRCh38, 1-based): chr15:100,402,950, G>T on the plus strand (C>A on the coding strand, the complement: CERS3 is on the minus strand). VCF-style: chr15-100402950-G-T. GRCh37 (hg19) VCF-style: chr15-100943155-G-T.
Other names: c.1000-85C>A (NM_178842.5, NM_001290343.2, NM_001290342.2); c.1033-85C>A (NM_001290341.2).
Identifiers: ClinVar variation 3068609 (VCV003068609.1), dbSNP rs2549019604, ClinGen allele CA2573320796.